The following is an entry in ClinVar:

ClinVar aggregate classification (germline): Likely pathogenic (1 of 4 stars; one submission).

Conditions:
Very long chain acyl-CoA dehydrogenase deficiency (ACADVLD). Also called: Very Long-Chain Acyl-Coenzyme A Dehydrogenase Deficiency; VLCAD Deficiency. Identifiers: Orphanet 26793, MedGen C3887523, MONDO:0008723, OMIM 201475.

Submission:

Labcorp Genetics (formerly Invitae), Labcorp
Classification: Likely pathogenic for Very long chain acyl-CoA dehydrogenase deficiency. Last evaluated: 2022-06-10. Review status: criteria provided, single submitter. Criteria: Invitae Variant Classification Sherloc (09022015). Collection method: clinical testing. Allele origin: germline.
Comment: In summary, the currently available evidence indicates that the variant is pathogenic, but additional data are needed to prove that conclusively. Therefore, this variant has been classified as Likely Pathogenic. Algorithms developed to predict the effect of sequence changes on RNA splicing suggest that this variant may disrupt the consensus splice site. This variant has not been reported in the literature in individuals affected with ACADVL-related conditions. This variant is not present in population databases (gnomAD no frequency). This sequence change affects a donor splice site in intron 3 of the ACADVL gene. It is expected to disrupt RNA splicing. Variants that disrupt the donor or acceptor splice site typically lead to a loss of protein function (PMID: 16199547), and loss-of-function variants in ACADVL are known to be pathogenic (PMID: 9973285, 11590124).

Literature cited by the submitters: PubMed 16199547; PubMed 9973285; PubMed 11590124.

NM_000018.4(ACADVL):c.204+1G>T

Gene: ACADVL (acyl-CoA dehydrogenase very long chain; plus strand). Cytogenetic location: 17p13.1.
Variant type: single nucleotide variant.
Coding change: c.204+1G>T on transcript NM_000018.4 (MANE Select); the canonical splice donor site of the intron after coding-DNA position 204, G replaced by T.
Molecular consequence: splice donor variant. On other transcripts: intron variant (1).
Genome position (GRCh38, 1-based): chr17:7,220,530, G>T. VCF-style: chr17-7220530-G-T. GRCh37 (hg19) VCF-style: chr17-7123849-G-T.
Other names: c.273+1G>T (NM_001270447.2); c.-25+1G>T (NM_001270448.2); c.139-74G>T (NM_001033859.3).
Identifiers: ClinVar variation 2004240 (VCV002004240.4), dbSNP rs2508249449, ClinGen allele CA397722312.
Genomic context (GRCh38, chr17:7,220,530, plus strand): 5'-CTGGACAAGTCAGATTCCCACCCCTCTGACGCTCTGACCAGGAAAAAACCGGCCAAGGCG[G>T]TAGGTAGCCCCGAGGCCAGGTGGACCTTAGCCAGACCCAACCAGAGCCCTGAAATTTGCC-3'